The following is an entry in ClinVar:

NM_001278064.2(GRM1):c.1318G>A (p.Asp440Asn)

Gene: GRM1 (glutamate metabotropic receptor 1; plus strand). Cytogenetic location: 6q24.3.
Variant type: single nucleotide variant.
Coding change: c.1318G>A on transcript NM_001278064.2 (MANE Select); coding-DNA position 1318, G replaced by A.
Protein change: p.Asp440Asn; replaces aspartic acid 440 with asparagine.
Molecular consequence: missense variant.
Genome position (GRCh38, 1-based): chr6:146,352,381, G>A. VCF-style: chr6-146352381-G-A. GRCh37 (hg19) VCF-style: chr6-146673517-G-A.
Other names: c.1318G>A (NM_001278064.1); c.1318G>A, p.Asp440Asn (NM_001278065.2, NM_001278066.1, NM_001278067.1); short protein forms D440N.
Identifiers: ClinVar variation 2062200 (VCV002062200.5), dbSNP rs752974265, ClinGen allele CA4037266.

ClinVar aggregate classification (germline): Uncertain significance. Review status: criteria provided, multiple submitters, no conflicts (2 of 4 stars). 2 submissions from 2 submitters: Uncertain significance (2). Last evaluated 2026-01-18.

Allele frequency attached by ClinVar (database versions not stated): gnomAD 0.00001; TOPMed 0.00003; gnomAD exomes 0.00005; ExAC 0.00010.
gnomAD v4.1: 81 of 1,614,032 alleles (0.005%); highest among the groups gnomAD compares: Admixed American, 0.038%; no homozygotes.

Submissions (2):

Labcorp Genetics (formerly Invitae), Labcorp
Classification: Uncertain significance. Last evaluated: 2026-01-18. Review status: criteria provided, single submitter. Criteria: Invitae Variant Classification Sherloc (09022015). Collection method: clinical testing. Allele origin: germline.
Comment: This sequence change replaces aspartic acid, which is acidic and polar, with asparagine, which is neutral and polar, at codon 440 of the GRM1 protein (p.Asp440Asn). This variant is present in population databases (rs752974265, gnomAD 0.06%). This variant has not been reported in the literature in individuals affected with GRM1-related conditions. ClinVar contains an entry for this variant (Variation ID: 2062200). An algorithm developed to predict the effect of missense changes on protein structure and function (PolyPhen-2) suggests that this variant is likely to be disruptive. In summary, the available evidence is currently insufficient to determine the role of this variant in disease. Therefore, it has been classified as a Variant of Uncertain Significance.

Athena Diagnostics
Classification: Uncertain significance. Last evaluated: 2024-12-23. Review status: criteria provided, single submitter. Criteria: Athena Diagnostics Criteria. Collection method: clinical testing. Allele origin: unknown.
Comment: Available data are insufficient to determine the clinical significance of the variant at this time. The frequency of this variant in the general population is higher than would generally be expected for pathogenic variants in this gene. Polyphen and MutationTaster yielded discordant predictions regarding whether this amino acid change is damaging to the protein.